The following is an entry in ClinVar:

NM_033343.4(LHX4):c.378G>A (p.Thr126=)

Gene: LHX4 (LIM homeobox 4; plus strand). Cytogenetic location: 1q25.2.
Variant type: single nucleotide variant.
Coding change: c.378G>A on transcript NM_033343.4 (MANE Select); coding-DNA position 378, G replaced by A.
Protein change: p.Thr126=; no amino-acid change (threonine 126 retained).
Molecular consequence: synonymous variant.
Genome position (GRCh38, 1-based): chr1:180,266,521, G>A. VCF-style: chr1-180266521-G-A. GRCh37 (hg19) VCF-style: chr1-180235656-G-A.
Identifiers: ClinVar variation 876697 (VCV000876697.11), dbSNP rs751665904, ClinGen allele CA1271866.

ClinVar aggregate classification (germline): Conflicting classifications of pathogenicity. Review status: criteria provided, conflicting classifications (1 of 4 stars). 4 submissions from 4 submitters: Uncertain significance (1); Likely benign (2). 1 of the submissions does not count toward it. Last evaluated 2025-01-06.

Conditions:
Short stature-pituitary and cerebellar defects-small sella turcica syndrome (CPHD4). Also called: Pituitary hormone deficiency, combined with or without cerebellar defects; Short stature, pituitary and cerebellar defects and small sella turcica. Identifiers: Orphanet 85442, MedGen C2678408, MONDO:0009880, OMIM 262700.
LHX4-related disorder. Also called: LHX4-related condition.

Allele frequency attached by ClinVar (database versions not stated): gnomAD 0.00002; ExAC 0.00003; gnomAD exomes 0.00003 and 0.00004; TOPMed 0.00003.
gnomAD v4.1: 50 of 1,614,070 alleles (0.0031%); highest among the groups gnomAD compares: Middle Eastern, 0.016%; no homozygotes.

Submissions (4):

Labcorp Genetics (formerly Invitae), Labcorp
Classification: Likely benign. Last evaluated: 2025-01-06. Review status: criteria provided, single submitter. Criteria: Invitae Variant Classification Sherloc (09022015). Collection method: clinical testing. Allele origin: germline.

Blueprint Genetics
Classification: Likely benign. Last evaluated: 2024-08-16. Review status: criteria provided, single submitter. Criteria: ACMG Guidelines, 2015. Collection method: clinical testing. Allele origin: germline.

Illumina Laboratory Services, Illumina
Classification: Uncertain significance for Short stature-pituitary and cerebellar defects-small sella turcica syndrome. Last evaluated: 2017-04-27. Review status: criteria provided, single submitter. Criteria: ICSL Variant Classification Criteria 13 December 2019. Collection method: clinical testing. Allele origin: germline.

PreventionGenetics, part of Exact Sciences
Classification: Likely benign for LHX4-related condition. Last evaluated: 2019-04-09. Review status: no assertion criteria provided. Collection method: clinical testing. Allele origin: germline. Not counted in ClinVar's aggregate classification.
Comment: This variant is classified as likely benign based on ACMG/AMP sequence variant interpretation guidelines (Richards et al. 2015 PMID: 25741868, with internal and published modifications).